The following is an entry in ClinVar:

NM_005458.8(GABBR2):c.2589G>T (p.Gln863His)

Gene: GABBR2 (gamma-aminobutyric acid type B receptor subunit 2; minus strand). Cytogenetic location: 9q22.33.
Variant type: single nucleotide variant.
Coding change: c.2589G>T on transcript NM_005458.8 (MANE Select); coding-DNA position 2589, G replaced by T.
Protein change: p.Gln863His; replaces glutamine 863 with histidine.
Molecular consequence: missense variant.
Genome position (GRCh38, 1-based): chr9:98,293,856, C>A on the plus strand (G>T on the coding strand, the complement: GABBR2 is on the minus strand). VCF-style: chr9-98293856-C-A. GRCh37 (hg19) VCF-style: chr9-101056138-C-A.
Other names: short protein forms Q863H.
Identifiers: ClinVar variation 4723916 (VCV004723916.1).

ClinVar aggregate classification (germline): Uncertain significance (1 of 4 stars; one submission).

Conditions:
Epileptic encephalopathy. Identifiers: MedGen C0543888, HP:0200134.

Submission:

Labcorp Genetics (formerly Invitae), Labcorp
Classification: Uncertain significance for Epileptic encephalopathy. Last evaluated: 2025-07-29. Review status: criteria provided, single submitter. Criteria: Invitae Variant Classification Sherloc (09022015). Collection method: clinical testing. Allele origin: germline.
Comment: This sequence change replaces glutamine, which is neutral and polar, with histidine, which is basic and polar, at codon 863 of the GABBR2 protein (p.Gln863His). This variant is not present in population databases (gnomAD no frequency). This variant has not been reported in the literature in individuals affected with GABBR2-related conditions. An algorithm developed to predict the effect of missense changes on protein structure and function (PolyPhen-2) suggests that this variant is likely to be tolerated. In summary, the available evidence is currently insufficient to determine the role of this variant in disease. Therefore, it has been classified as a Variant of Uncertain Significance.